The following is an entry in ClinVar:

NM_000548.5(TSC2):c.726C>T (p.Thr242=)

Gene: TSC2 (TSC complex subunit 2; plus strand). Cytogenetic location: 16p13.3.
Variant type: single nucleotide variant.
Coding change: c.726C>T on transcript NM_000548.5 (MANE Select); coding-DNA position 726, C replaced by T.
Protein change: p.Thr242=; no amino-acid change (threonine 242 retained).
Molecular consequence: synonymous variant.
Genome position (GRCh38, 1-based): chr16:2,056,721, C>T. VCF-style: chr16-2056721-C-T. GRCh37 (hg19) VCF-style: chr16-2106722-C-T.
Other names: c.726C>T, p.Thr242= (NM_001077183.3, NM_001114382.3, NM_001363528.2 and 3 more transcripts); c.615C>T, p.Thr205= (NM_001318827.2); c.579C>T, p.Thr193= (NM_001318829.2); c.126C>T, p.Thr42= (NM_001318831.2); c.759C>T, p.Thr253= (NM_001318832.2).
Identifiers: ClinVar variation 256637 (VCV000256637.28), dbSNP rs570051626, ClinGen allele CA056233.

ClinVar aggregate classification (germline): Benign/Likely benign. Review status: criteria provided, multiple submitters, no conflicts (2 of 4 stars). 11 submissions from 11 submitters: Benign (7); Likely benign (4). Last evaluated 2026-01-20.

Conditions:
Lymphangiomyomatosis (LAM). Also called: Lymphangioleiomyomatosis, somatic; Lymphangioleiomyomatosis. Identifiers: Orphanet 538, MedGen C0751674, MONDO:0011705, OMIM 606690.
Tuberous sclerosis 2 (TSC2). Identifiers: Orphanet 805, MedGen C1860707, MONDO:0013199, OMIM 613254.
Isolated focal cortical dysplasia type II (FCORD2). Also called: Focal cortical dysplasia type II; CORTICAL DYSPLASIA OF TAYLOR. Identifiers: Orphanet 268994, MedGen C1846385, MONDO:0011818, OMIM 607341, HP:0032051.
Hereditary cancer-predisposing syndrome. Also called: Hereditary Cancer Syndrome; Tumor predisposition; Hereditary neoplastic syndrome; Neoplastic Syndromes, Hereditary. Identifiers: Orphanet 140162, MedGen C0027672, MeSH D009386, MONDO:0015356.
Tuberous sclerosis syndrome (TSC). Also called: Tuberous Sclerosis Complex; Tuberous sclerosis. Identifiers: Orphanet 805, MedGen C0041341, MONDO:0001734.

Allele frequency attached by ClinVar (database versions not stated): gnomAD below 0.00001 and 0.00003; TOPMed 0.00002; gnomAD exomes 0.00006 and 0.00012; ExAC 0.00013; 1000 Genomes Project 0.00020; 1000 Genomes Project 30x 0.00031.
gnomAD v4.1: 96 of 1,612,354 alleles (0.006%); highest among the groups gnomAD compares: South Asian, 0.094%; 1 homozygote.

Submissions (11):

Labcorp Genetics (formerly Invitae), Labcorp
Classification: Benign for Tuberous sclerosis 2. Last evaluated: 2026-01-20. Review status: criteria provided, single submitter. Criteria: Invitae Variant Classification Sherloc (09022015). Collection method: clinical testing. Allele origin: germline.

Myriad Genetics, Inc.
Classification: Benign for Tuberous sclerosis 2. Last evaluated: 2025-05-09. Review status: criteria provided, single submitter. Criteria: Myriad Autosomal Dominant, Autosomal Recessive and X-Linked Classification Criteria (2023). Collection method: clinical testing. Allele origin: unknown.
Comment: This variant is considered benign. This variant is a silent/synonymous amino acid change and it is not expected to impact splicing.

All of Us Research Program, National Institutes of Health
Classification: Benign for Tuberous sclerosis syndrome. Last evaluated: 2023-12-01. Review status: criteria provided, single submitter. Criteria: ACMG Guidelines, 2015. Collection method: clinical testing. Allele origin: germline. Inheritance: Autosomal dominant inheritance. Observed: 5 variant alleles, 5 heterozygotes.
Comment: This study involves interpretation of variants in research participants for the purpose of population health screening. Participant phenotype was not available at the time of variant classification. Additional details can be found in publication PMID: 35346344, PMCID: PMC8962531

Blueprint Genetics
Classification: Likely benign. Last evaluated: 2023-05-03. Review status: criteria provided, single submitter. Criteria: ACMG Guidelines, 2015. Collection method: clinical testing. Allele origin: germline.

Color Diagnostics, LLC DBA Color Health
Classification: Benign for Tuberous sclerosis syndrome. Last evaluated: 2022-09-13. Review status: criteria provided, single submitter. Criteria: ACMG Guidelines, 2015. Collection method: clinical testing. Allele origin: germline.

Fulgent Genetics
Classification: Likely benign for Lymphangiomyomatosis; Isolated focal cortical dysplasia type II; Tuberous sclerosis 2. Last evaluated: 2021-11-18. Review status: criteria provided, single submitter. Criteria: ACMG Guidelines, 2015. Collection method: clinical testing. Allele origin: unknown.

Genome-Nilou Lab
Classification: Benign for Tuberous sclerosis 2. Last evaluated: 2021-11-07. Review status: criteria provided, single submitter. Criteria: ACMG Guidelines, 2015. Collection method: clinical testing. Allele origin: germline. Affected: no.

Sema4
Classification: Benign for Hereditary cancer-predisposing syndrome. Last evaluated: 2021-06-16. Review status: criteria provided, single submitter. Criteria: Sema4 Curation Guidelines. Collection method: curation. Allele origin: germline.

GeneDx
Classification: Benign. Last evaluated: 2019-07-08. Review status: criteria provided, single submitter. Criteria: GeneDx Variant Classification Process June 2021. Collection method: clinical testing. Allele origin: germline. Affected: yes.

Ambry Genetics
Classification: Likely benign for Hereditary cancer-predisposing syndrome. Last evaluated: 2017-09-27. Review status: criteria provided, single submitter. Criteria: Ambry Variant Classification Scheme 2023. Collection method: clinical testing. Allele origin: germline.

PreventionGenetics, part of Exact Sciences
Classification: Likely benign. Review status: criteria provided, single submitter. Criteria: ACMG Guidelines, 2015. Collection method: clinical testing. Allele origin: germline.